The following is an entry in ClinVar:

ClinVar aggregate classification (germline): Uncertain significance (1 of 4 stars; one submission).

Allele frequency attached by ClinVar (database versions not stated): gnomAD exomes below 0.00001.
gnomAD v4.1: 1 of 1,613,156 alleles (0.000062%); highest among the groups gnomAD compares: Non-Finnish European, 0.000085%; no homozygotes.

Submission:

Labcorp Genetics (formerly Invitae), Labcorp
Classification: Uncertain significance. Last evaluated: 2023-05-23. Review status: criteria provided, single submitter. Criteria: Invitae Variant Classification Sherloc (09022015). Collection method: clinical testing. Allele origin: germline.
Comment: In summary, the available evidence is currently insufficient to determine the role of this variant in disease. Therefore, it has been classified as a Variant of Uncertain Significance. An algorithm developed to predict the effect of missense changes on protein structure and function (PolyPhen-2) suggests that this variant is likely to be disruptive. ClinVar contains an entry for this variant (Variation ID: 1403638). This variant has not been reported in the literature in individuals affected with A2ML1-related conditions. This variant is not present in population databases (gnomAD no frequency). This sequence change replaces glycine, which is neutral and non-polar, with arginine, which is basic and polar, at codon 290 of the A2ML1 protein (p.Gly290Arg).

NM_144670.6(A2ML1):c.868G>A (p.Gly290Arg)

Gene: A2ML1 (alpha-2-macroglobulin like 1; plus strand). Cytogenetic location: 12p13.31.
Variant type: single nucleotide variant.
Coding change: c.868G>A on transcript NM_144670.6 (MANE Select); coding-DNA position 868, G replaced by A.
Protein change: p.Gly290Arg; replaces glycine 290 with arginine.
Molecular consequence: missense variant.
Genome position (GRCh38, 1-based): chr12:8,838,348, G>A. VCF-style: chr12-8838348-G-A. GRCh37 (hg19) VCF-style: chr12-8990944-G-A.
Other names: short protein forms G290R.
Identifiers: ClinVar variation 1403638 (VCV001403638.8), dbSNP rs2136781223, ClinGen allele CA383823290.